The following is an entry in ClinVar:

ClinVar aggregate classification (germline): Likely pathogenic (1 of 4 stars; one submission).

Conditions:
Autosomal recessive early-onset Parkinson disease 6 (PARK6). Also called: PARKINSON DISEASE 6, MODIFIER OF; PINK1-Related Parkinson Disease; PINK1 Type of Young-Onset Parkinson Disease; PARKINSON DISEASE 6, EARLY-ONSET. Identifiers: Orphanet 2828, MedGen C1853833, MONDO:0011613, OMIM 605909.

Submission:

Variantyx, Inc.
Classification: Likely pathogenic for Autosomal recessive early-onset Parkinson disease 6. Last evaluated: 2025-05-15. Review status: criteria provided, single submitter. Criteria: Variantyx Assertion Criteria 2022. Collection method: clinical testing. Allele origin: germline. Inheritance: Autosomal recessive inheritance.
Comment: This is a frameshift variant in the PINK1 gene (OMIM: 608309). Pathogenic variants in this gene have been associated with autosomal recessive Parkinson disease 6. This variant introduces a premature termination codon in exon 1 out of 8 and is expected to result in loss of function, which is a known disease mechanism for PINK1 in this disorder (PMID:15087508, 17154281)(PVS1). This variant has a 0.0011% maximum allele frequency in non-founder control populations (PM2). This variant has not been reported in individuals with PINK1-related disorders in the databases available for review. Based on the current evidence, this variant is classified as likely pathogenic for autosomal recessive Parkinson disease 6.

Literature cited by the submitters: PubMed 15087508; PubMed 17154281.

NM_032409.3(PINK1):c.131del (p.Glu44fs)

Genes: MIR6084 (microRNA 6084; plus strand), PINK1 (PTEN induced kinase 1; plus strand). Cytogenetic location: 1p36.12.
Variant type: Deletion.
Coding change: c.131del on transcript NM_032409.3 (MANE Select); coding-DNA position 131, one base deleted (A; older notation c.131delA).
Protein change: p.Glu44fs; shifts the reading frame from glutamic acid 44.
Molecular consequence: frameshift variant. On other transcripts: non-coding transcript variant (1).
Genome position (GRCh38, 1-based): chr1:20,633,679, A deleted. VCF-style (leftmost placement, unchanged base first): chr1-20633678-GA-G. GRCh37 (hg19) VCF-style: chr1-20960171-GA-G.
Other names: short protein forms E44fs.
Identifiers: ClinVar variation 4813072 (VCV004813072.1).